The following is an entry in ClinVar:

ClinVar aggregate classification (germline): Conflicting classifications of pathogenicity. Review status: criteria provided, conflicting classifications (1 of 4 stars). 7 submissions from 7 submitters: Uncertain significance (5); Likely benign (1). 1 of the submissions does not count toward it. Last evaluated 2026-01-18.

Conditions:
Classic or attenuated familial adenomatous polyposis. Identifiers: MedGen CN372698, MONDO:0021057.
APC-related disorder. Also called: APC-related condition.
Hereditary cancer-predisposing syndrome. Also called: Hereditary Cancer Syndrome; Hereditary neoplastic syndrome; Tumor predisposition; Neoplastic Syndromes, Hereditary. Identifiers: Orphanet 140162, MedGen C0027672, MeSH D009386, MONDO:0015356.
Familial adenomatous polyposis 1 (FAP1). Also called: FAMILIAL ADENOMATOUS POLYPOSIS 1, ATTENUATED; POLYPOSIS, ADENOMATOUS INTESTINAL. Identifiers: MedGen C2713442, MONDO:0021056, OMIM 175100. Disease mechanism: loss of function.

Allele frequency attached by ClinVar (database versions not stated): gnomAD exomes 0.00001; TOPMed 0.00001; gnomAD 0.00002; ESP Exome Variant Server 0.00008.
gnomAD v4.1: 21 of 1,614,088 alleles (0.0013%); highest among the groups gnomAD compares: Non-Finnish European, 0.0015%; no homozygotes.

Submissions (7):

Labcorp Genetics (formerly Invitae), Labcorp
Classification: Uncertain significance for Familial adenomatous polyposis 1. Last evaluated: 2026-01-18. Review status: criteria provided, single submitter. Criteria: Invitae Variant Classification Sherloc (09022015). Collection method: clinical testing. Allele origin: germline.
Comment: This sequence change replaces aspartic acid, which is acidic and polar, with glycine, which is neutral and non-polar, at codon 1570 of the APC protein (p.Asp1570Gly). This variant is present in population databases (rs373419559, gnomAD 0.002%). This variant has not been reported in the literature in individuals affected with APC-related conditions. ClinVar contains an entry for this variant (Variation ID: 127297). Invitae Evidence Modeling of protein sequence and biophysical properties (such as structural, functional, and spatial information, amino acid conservation, physicochemical variation, residue mobility, and thermodynamic stability) indicates that this missense variant is not expected to disrupt APC protein function with a negative predictive value of 95%. In summary, the available evidence is currently insufficient to determine the role of this variant in disease. Therefore, it has been classified as a Variant of Uncertain Significance.

Ambry Genetics
Classification: Likely benign for Hereditary cancer-predisposing syndrome. Last evaluated: 2024-11-08. Review status: criteria provided, single submitter. Criteria: Ambry Variant Classification Scheme 2023. Collection method: clinical testing. Allele origin: germline.

Color Diagnostics, LLC DBA Color Health
Classification: Uncertain significance for Hereditary cancer-predisposing syndrome. Last evaluated: 2024-09-30. Review status: criteria provided, single submitter. Criteria: ACMG Guidelines, 2015. Collection method: clinical testing. Allele origin: germline.
Comment: This missense variant replaces Aspartic acid with Glycine at codon 1570 of the APC protein. Computational prediction is inconclusive regarding the impact of this variant on protein structure and function (internally defined REVEL score threshold 0.5 < inconclusive < 0.7, PMID: 27666373). To our knowledge, functional studies have not been reported for this variant. This variant has not been reported in individuals affected with APC-related disorders in the literature. This variant has been identified in 2/250746 chromosomes in the general population by the Genome Aggregation Database (gnomAD). The available evidence is insufficient to determine the role of this variant in disease conclusively. Therefore, this variant is classified as a Variant of Uncertain Significance.

GeneDx
Classification: Uncertain significance. Last evaluated: 2024-02-13. Review status: criteria provided, single submitter. Criteria: GeneDx Variant Classification Process June 2021. Collection method: clinical testing. Allele origin: germline. Affected: yes.
Comment: Not observed at significant frequency in large population cohorts (gnomAD); In silico analysis supports that this missense variant has a deleterious effect on protein structure/function; Has not been previously published as pathogenic or benign to our knowledge; This variant is associated with the following publications: (PMID: 18199528, 29758216)

Baylor Genetics
Classification: Uncertain significance for Familial adenomatous polyposis 1. Last evaluated: 2023-12-18. Review status: criteria provided, single submitter. Criteria: ACMG Guidelines, 2015. Collection method: clinical testing. Allele origin: unknown.

All of Us Research Program, National Institutes of Health
Classification: Uncertain significance for Classic or attenuated familial adenomatous polyposis. Last evaluated: 2023-10-27. Review status: criteria provided, single submitter. Criteria: ACMG Guidelines, 2015. Collection method: clinical testing. Allele origin: germline. Inheritance: Autosomal dominant inheritance. Observed: 2 variant alleles, 2 heterozygotes.
Comment: This missense variant replaces Aspartic acid with Glycine at codon 1570 of the APC protein. Computational prediction is inconclusive regarding the impact of this variant on protein structure and function (internally defined REVEL score threshold 0.5 < inconclusive < 0.7, PMID: 27666373). To our knowledge, functional studies have not been reported for this variant. This variant has not been reported in individuals affected with APC-related disorders in the literature. This variant has been identified in 2/250746 chromosomes in the general population by the Genome Aggregation Database (gnomAD). The available evidence is insufficient to determine the role of this variant in disease conclusively. Therefore, this variant is classified as a Variant of Uncertain Significance.

This study involves interpretation of variants in research participants for the purpose of population health screening. Participant phenotype was not available at the time of variant classification. Additional details can be found in publication PMID: 35346344, PMCID: PMC8962531

PreventionGenetics, part of Exact Sciences
Classification: Uncertain significance for APC-related condition. Last evaluated: 2023-12-04. Review status: no assertion criteria provided. Collection method: clinical testing. Allele origin: germline. Not counted in ClinVar's aggregate classification.
Comment: The APC c.4709A>G variant is predicted to result in the amino acid substitution p.Asp1570Gly. To our knowledge, this variant has not been reported in the literature in individuals with APC-related disorders. This variant is reported in 0.0018% of alleles in individuals of European (Non-Finnish) descent in gnomAD, and is interpreted as uncertain in ClinVar. At this time, the clinical significance of this variant is uncertain due to the absence of conclusive functional and genetic evidence.

NM_000038.6(APC):c.4709A>G (p.Asp1570Gly)

Gene: APC (APC regulator of Wnt signaling pathway; plus strand). Cytogenetic location: 5q22.2.
Variant type: single nucleotide variant.
Coding change: c.4709A>G on transcript NM_000038.6 (MANE Select); coding-DNA position 4709, A replaced by G.
Protein change: p.Asp1570Gly; replaces aspartic acid 1570 with glycine.
Molecular consequence: missense variant.
Genome position (GRCh38, 1-based): chr5:112,840,303, A>G. VCF-style: chr5-112840303-A-G. GRCh37 (hg19) VCF-style: chr5-112176000-A-G.
Other names: p.D1570G:GAT>GGT; c.4709A>G, p.Asp1570Gly (NM_001127510.3, NM_001354895.2); c.4655A>G, p.Asp1552Gly (NM_001127511.3); c.4763A>G, p.Asp1588Gly (NM_001354896.2); c.4739A>G, p.Asp1580Gly (NM_001354897.2); c.4634A>G, p.Asp1545Gly (NM_001354898.2); c.4625A>G, p.Asp1542Gly (NM_001354899.2); c.4586A>G, p.Asp1529Gly (NM_001354900.2); and 6 more; short protein forms D1570G, D1552G, D1529G, D1479G, D1542G, D1588G, D1287G, D1410G.
Identifiers: ClinVar variation 127297 (VCV000127297.64), dbSNP rs373419559, ClinGen allele CA009695.